The following is an entry in ClinVar:

ClinVar aggregate classification (germline): Uncertain significance. Review status: criteria provided, multiple submitters, no conflicts (2 of 4 stars). 2 submissions from 2 submitters: Uncertain significance (2). Last evaluated 2024-01-06.

Conditions:
Ullrich congenital muscular dystrophy 2 (UCMD2). Identifiers: Orphanet 75840, MedGen C4225314, MONDO:0014654, OMIM 616470.
Bethlem myopathy 2 (BTHLM2). Identifiers: Orphanet 536516, Orphanet 610, MedGen C4225313, MONDO:0034022, OMIM 616471.

Allele frequency attached by ClinVar (database versions not stated): gnomAD exomes below 0.00001.

Submissions (2):

Labcorp Genetics (formerly Invitae), Labcorp
Classification: Uncertain significance for Bethlem myopathy 2; Ullrich congenital muscular dystrophy 2. Last evaluated: 2024-01-06. Review status: criteria provided, single submitter. Criteria: Invitae Variant Classification Sherloc (09022015). Collection method: clinical testing. Allele origin: germline.
Comment: This sequence change replaces methionine, which is neutral and non-polar, with threonine, which is neutral and polar, at codon 1012 of the COL12A1 protein (p.Met1012Thr). This variant is not present in population databases (gnomAD no frequency). This variant has not been reported in the literature in individuals affected with COL12A1-related conditions. ClinVar contains an entry for this variant (Variation ID: 1718221). Advanced modeling of protein sequence and biophysical properties (such as structural, functional, and spatial information, amino acid conservation, physicochemical variation, residue mobility, and thermodynamic stability) performed at Invitae indicates that this missense variant is not expected to disrupt COL12A1 protein function with a negative predictive value of 80%. In summary, the available evidence is currently insufficient to determine the role of this variant in disease. Therefore, it has been classified as a Variant of Uncertain Significance.

GeneDx
Classification: Uncertain significance. Last evaluated: 2023-02-03. Review status: criteria provided, single submitter. Criteria: GeneDx Variant Classification Process June 2021. Collection method: clinical testing. Allele origin: germline. Affected: yes.
Comment: Not observed at significant frequency in large population cohorts (gnomAD); In silico analysis supports that this missense variant has a deleterious effect on protein structure/function; Has not been previously published as pathogenic or benign to our knowledge

NM_004370.6(COL12A1):c.3035T>C (p.Met1012Thr)

Gene: COL12A1 (collagen type XII alpha 1 chain; minus strand). Cytogenetic location: 6q13.
Variant type: single nucleotide variant.
Coding change: c.3035T>C on transcript NM_004370.6 (MANE Select); coding-DNA position 3035, T replaced by C.
Protein change: p.Met1012Thr; replaces methionine 1012 with threonine.
Molecular consequence: missense variant. On other transcripts: intron variant (1).
Genome position (GRCh38, 1-based): chr6:75,156,472, A>G on the plus strand (T>C on the coding strand, the complement: COL12A1 is on the minus strand). VCF-style: chr6-75156472-A-G. GRCh37 (hg19) VCF-style: chr6-75866188-A-G.
Other names: c.74-3990T>C (NM_080645.3); c.3035T>C (NM_004370.5); short protein forms M1012T.
Identifiers: ClinVar variation 1718221 (VCV001718221.7), dbSNP rs2533427482, ClinGen allele CA364754671.